The following is an entry in ClinVar:

ClinVar aggregate classification (germline): Likely benign (1 of 4 stars; one submission).

Allele frequency attached by ClinVar (database versions not stated): TOPMed 0.00003; ExAC 0.00004; 1000 Genomes Project 30x 0.00016; 1000 Genomes Project 0.00080.

Submission:

CeGaT Center for Human Genetics Tuebingen
Classification: Likely benign. Last evaluated: 2026-03-01. Review status: criteria provided, single submitter. Criteria: CeGaT Center For Human Genetics Tuebingen Variant Classification Criteria Version 2. Collection method: clinical testing. Allele origin: germline. Affected: yes. Observed: 3 variant alleles.
Comment: SPATA31A6: BP4, BP7

NM_001145196.1(SPATA31A6):c.1422C>T (p.His474=)

Gene: SPATA31A6 (SPATA31 subfamily A member 6; plus strand). Cytogenetic location: 9p11.2.
Variant type: single nucleotide variant.
Coding change: c.1422C>T on transcript NM_001145196.1 (MANE Select); coding-DNA position 1422, C replaced by T.
Protein change: p.His474=; no amino-acid change (histidine 474 retained).
Molecular consequence: synonymous variant.
Genome position (GRCh38, 1-based): chr9:42,187,124, C>T. VCF-style: chr9-42187124-C-T. GRCh37 (hg19) VCF-style: chr9-43627265-G-A.
Identifiers: ClinVar variation 3025475 (VCV003025475.22), dbSNP rs200939909, ClinGen allele CA5067644.